The following is an entry in ClinVar:

NM_025114.4(CEP290):c.6150G>A (p.Glu2050=)

Gene: CEP290 (centrosomal protein 290; minus strand). Cytogenetic location: 12q21.32.
Variant type: single nucleotide variant.
Coding change: c.6150G>A on transcript NM_025114.4 (MANE Select); coding-DNA position 6150, G replaced by A.
Protein change: p.Glu2050=; no amino-acid change (glutamic acid 2050 retained).
Molecular consequence: synonymous variant.
Genome position (GRCh38, 1-based): chr12:88,064,101, C>T on the plus strand (G>A on the coding strand, the complement: CEP290 is on the minus strand). VCF-style: chr12-88064101-C-T. GRCh37 (hg19) VCF-style: chr12-88457878-C-T.
Other names: c.6150G>A (NM_025114.3).
Identifiers: ClinVar variation 1077912 (VCV001077912.11), dbSNP rs1175295227, ClinGen allele CA481068886.

ClinVar aggregate classification (germline): Likely benign. Review status: criteria provided, multiple submitters, no conflicts (2 of 4 stars). 3 submissions from 3 submitters: Likely benign (3). Last evaluated 2026-03-09.

Conditions:
CEP290-related disorder. Also called: CEP290-related disorders; CEP290-related condition. Identifiers: MedGen CN239314.
Meckel syndrome, type 4 (MKS4). Also called: MECKEL-GRUBER SYNDROME, TYPE 4. Identifiers: Orphanet 564, MedGen C1970161, MONDO:0012626, OMIM 611134.
Joubert syndrome 5 (JBTS5). Identifiers: Orphanet 2318, MedGen C1857780, MONDO:0012432, OMIM 610188.
Senior-Loken syndrome 6 (SLSN6). Identifiers: Orphanet 3156, MedGen C1857779, MONDO:0012433, OMIM 610189.
Leber congenital amaurosis 10 (LCA10). Identifiers: Orphanet 65, MedGen C1857821, MONDO:0012723, OMIM 611755.
Bardet-Biedl syndrome 14 (BBS14). Identifiers: Orphanet 110, MedGen C2673874, MONDO:0014442, OMIM 615991.
Nephronophthisis. Also called: Juvenile Nephronophthisis. Identifiers: Orphanet 655, MedGen C0687120, MONDO:0019005, HP:0000090.
Meckel-Gruber syndrome. Also called: Dysencephalia splachnocystica; DYSENCEPHALIA SPLANCHNOCYSTICA; GRUBER SYNDROME. Identifiers: Orphanet 564, MedGen C0265215, MONDO:0018921.
Joubert syndrome. Also called: JOUBERT-BOLTSHAUSER SYNDROME; Familial aplasia of the vermis. Identifiers: Orphanet 475, MedGen C5979921, MONDO:0018772.

Allele frequency attached by ClinVar (database versions not stated): gnomAD 0.00001; gnomAD exomes 0.00001; TOPMed 0.00001.
gnomAD v4.1: 14 of 1,564,794 alleles (0.00089%); highest among the groups gnomAD compares: South Asian, 0.013%; no homozygotes.

Submissions (3):

PreventionGenetics, part of Exact Sciences
Classification: Likely benign for CEP290-related condition. Last evaluated: 2026-03-09. Review status: criteria provided, single submitter. Criteria: ACMG Guidelines, 2015. Collection method: clinical testing. Allele origin: germline.
Comment: This variant is classified as likely benign based on ACMG/AMP sequence variant interpretation guidelines (Richards et al. 2015 PMID: 25741868, with internal and published modifications).

Labcorp Genetics (formerly Invitae), Labcorp
Classification: Likely benign for Joubert syndrome; Meckel-Gruber syndrome; Nephronophthisis. Last evaluated: 2024-02-23. Review status: criteria provided, single submitter. Criteria: Invitae Variant Classification Sherloc (09022015). Collection method: clinical testing. Allele origin: germline.

Fulgent Genetics
Classification: Likely benign for Joubert syndrome 5; Senior-Loken syndrome 6; Meckel syndrome, type 4; Leber congenital amaurosis 10; Bardet-Biedl syndrome 14. Last evaluated: 2022-01-13. Review status: criteria provided, single submitter. Criteria: ACMG Guidelines, 2015. Collection method: clinical testing. Allele origin: unknown.